The following is an entry in ClinVar:

NM_021927.3(GUF1):c.1863G>A (p.Leu621=)

Gene: GUF1 (GTP binding elongation factor GUF1; plus strand). Cytogenetic location: 4p12.
Variant type: single nucleotide variant.
Coding change: c.1863G>A on transcript NM_021927.3 (MANE Select); coding-DNA position 1863, G replaced by A.
Protein change: p.Leu621=; no amino-acid change (leucine 621 retained).
Molecular consequence: synonymous variant.
Genome position (GRCh38, 1-based): chr4:44,697,435, G>A. VCF-style: chr4-44697435-G-A. GRCh37 (hg19) VCF-style: chr4-44699452-G-A.
Other names: c.891G>A, p.Leu297= (NM_001345867.2, NM_001345869.2); c.1743G>A, p.Leu581= (NM_001345868.2).
Identifiers: ClinVar variation 3620317 (VCV003620317.2).

ClinVar aggregate classification (germline): Uncertain significance (1 of 4 stars; one submission).

gnomAD v4.1: 8 of 1,555,178 alleles (0.00051%); highest among the groups gnomAD compares: African/African-American, 0.0096%; no homozygotes.

Submission:

Labcorp Genetics (formerly Invitae), Labcorp
Classification: Uncertain significance. Last evaluated: 2025-07-30. Review status: criteria provided, single submitter. Criteria: Invitae Variant Classification Sherloc (09022015). Collection method: clinical testing. Allele origin: germline.
Comment: This sequence change affects codon 621 of the GUF1 mRNA. It is a 'silent' change, meaning that it does not change the encoded amino acid sequence of the GUF1 protein. This variant is not present in population databases (gnomAD no frequency). This variant has not been reported in the literature in individuals affected with GUF1-related conditions. ClinVar contains an entry for this variant (Variation ID: 3620317). Algorithms developed to predict the effect of sequence changes on RNA splicing suggest that this variant may disrupt the consensus splice site. In summary, the available evidence is currently insufficient to determine the role of this variant in disease. Therefore, it has been classified as a Variant of Uncertain Significance.